The following is an entry in ClinVar:

NM_207352.4(CYP4V2):c.280del (p.Val94fs)

Gene: CYP4V2 (cytochrome P450 family 4 subfamily V member 2; plus strand). Cytogenetic location: 4q35.1.
Variant type: Deletion.
Coding change: c.280del on transcript NM_207352.4 (MANE Select); coding-DNA position 280, one base deleted (G; older notation c.280delG).
Protein change: p.Val94fs; shifts the reading frame from valine 94.
Molecular consequence: frameshift variant.
Genome position (GRCh38, 1-based): chr4:186,194,565, G deleted; the last of 3 consecutive G bases (chr4:186,194,563-186,194,565); deleting any one gives the same sequence. VCF-style (leftmost placement, unchanged base first): chr4-186194562-TG-T. GRCh37 (hg19) VCF-style: chr4-187115716-TG-T.
Other names: short protein forms V94fs.
Identifiers: ClinVar variation 1458402 (VCV001458402.6), dbSNP rs2126582145, ClinGen allele CA2573138168.

ClinVar aggregate classification (germline): Pathogenic (1 of 4 stars; one submission).

Submission:

Labcorp Genetics (formerly Invitae), Labcorp
Classification: Pathogenic. Last evaluated: 2022-06-13. Review status: criteria provided, single submitter. Criteria: Invitae Variant Classification Sherloc (09022015). Collection method: clinical testing. Allele origin: germline.
Comment: For these reasons, this variant has been classified as Pathogenic. This variant has not been reported in the literature in individuals affected with CYP4V2-related conditions. This variant is not present in population databases (gnomAD no frequency). This sequence change creates a premature translational stop signal (p.Val94Serfs*17) in the CYP4V2 gene. It is expected to result in an absent or disrupted protein product. Loss-of-function variants in CYP4V2 are known to be pathogenic (PMID: 15042513, 25118264).

Literature cited by the submitters: PubMed 15042513; PubMed 25118264.